The following is an entry in ClinVar:

ClinVar aggregate classification (germline): Uncertain significance. Review status: criteria provided, multiple submitters, no conflicts (2 of 4 stars). 5 submissions from 5 submitters: Uncertain significance (5). Last evaluated 2025-09-02.

Conditions:
Hereditary cancer-predisposing syndrome. Also called: Neoplastic Syndromes, Hereditary; Hereditary Cancer Syndrome; Tumor predisposition; Hereditary neoplastic syndrome. Identifiers: Orphanet 140162, MedGen C0027672, MeSH D009386, MONDO:0015356.
Multiple endocrine neoplasia, type 2 (MEN2). Identifiers: Orphanet 653, MedGen C4048306, MONDO:0019003. Disease mechanism: gain of function.
Pheochromocytoma. Also called: MAX-Related Hereditary Paraganglioma-Pheochromocytoma Syndrome. Identifiers: Orphanet 29072, MedGen C0031511, MONDO:0008233, OMIM 171300, HP:0002666.
Familial medullary thyroid carcinoma (MTC). Also called: Thyroid cancer, familial medullary; MTC, familial; Familial Medullary Thyroid Carcinoma (FMTC). Identifiers: Orphanet 653, Orphanet 99361, MedGen C1833921, MONDO:0007958, OMIM 155240.
Multiple endocrine neoplasia type 2B. Also called: Multiple endocrine neoplasia, type 3; MULTIPLE ENDOCRINE NEOPLASIA, TYPE IIB; MUCOSAL NEUROMA SYNDROME; MEN 2B; Multiple Endocrine Neoplasia Type 2B (MEN2B); MEN IIB. Identifiers: Orphanet 247709, Orphanet 653, MedGen C0025269, MeSH D018814, MONDO:0008082, OMIM 162300.
Multiple endocrine neoplasia type 2A. Also called: MULTIPLE ENDOCRINE NEOPLASIA, TYPE IIA; PTC SYNDROME; SIPPLE SYNDROME; MEN 2A; MEN-2A syndrome; Pheochromocytoma and amyloid producing medullary thyroid carcinoma. Identifiers: Orphanet 247698, Orphanet 653, MedGen C0025268, MeSH D018813, MONDO:0008234, OMIM 171400.
Hirschsprung disease, susceptibility to, 1 (HSCR1). Also called: RET-Related Hirschsprung Disease. Identifiers: Orphanet 388, MedGen C3888239, MONDO:0007723, OMIM 142623.

Allele frequency attached by ClinVar (database versions not stated): gnomAD exomes below 0.00001; TOPMed below 0.00001.
gnomAD v4.1: 1 of 1,612,364 alleles (0.000062%); highest among the groups gnomAD compares: Non-Finnish European, 0.000085%; no homozygotes.

Submissions (5):

Labcorp Genetics (formerly Invitae), Labcorp
Classification: Uncertain significance for Multiple endocrine neoplasia, type 2. Last evaluated: 2025-09-02. Review status: criteria provided, single submitter. Criteria: Invitae Variant Classification Sherloc (09022015). Collection method: clinical testing. Allele origin: germline.
Comment: This sequence change replaces serine, which is neutral and polar, with leucine, which is neutral and non-polar, at codon 696 of the RET protein (p.Ser696Leu). This variant is not present in population databases (gnomAD no frequency). This variant has not been reported in the literature in individuals affected with RET-related conditions. ClinVar contains an entry for this variant (Variation ID: 579439). An algorithm developed to predict the effect of missense changes on protein structure and function (PolyPhen-2) suggests that this variant is likely to be disruptive. In summary, the available evidence is currently insufficient to determine the role of this variant in disease. Therefore, it has been classified as a Variant of Uncertain Significance.

Color Diagnostics, LLC DBA Color Health
Classification: Uncertain significance for Multiple endocrine neoplasia, type 2. Last evaluated: 2025-06-25. Review status: criteria provided, single submitter. Criteria: ACMG Guidelines, 2015. Collection method: clinical testing. Allele origin: germline.
Comment: This missense variant replaces serine with leucine at codon 696 of the RET protein. Computational prediction suggests that this variant may not impact protein structure and function. To our knowledge, functional studies have not been reported for this variant. This variant has not been reported in individuals affected with RET-related disorders in the literature. This variant has not been identified in the general population by the Genome Aggregation Database (gnomAD). The available evidence is insufficient to determine the role of this variant in disease conclusively. Therefore, this variant is classified as a Variant of Uncertain Significance.

Women's Health and Genetics/Laboratory Corporation of America, LabCorp
Classification: Uncertain significance. Last evaluated: 2024-03-21. Review status: criteria provided, single submitter. Criteria: LabCorp Variant Classification Summary - May 2015. Collection method: clinical testing. Allele origin: germline.
Comment: Variant summary: RET c.2087C>T (p.Ser696Leu) results in a non-conservative amino acid change in the encoded protein sequence. Three of five in-silico tools predict a damaging effect of the variant on protein function. The variant was absent in 249846 control chromosomes. The available data on variant occurrences in the general population are insufficient to allow any conclusion about variant significance. To our knowledge, no occurrence of c.2087C>T in individuals affected with RET-related conditions and no experimental evidence demonstrating its impact on protein function have been reported. ClinVar contains an entry for this variant (Variation ID: 579439). Based on the evidence outlined above, the variant was classified as uncertain significance.

Fulgent Genetics
Classification: Uncertain significance for Hirschsprung disease, susceptibility to, 1; Familial medullary thyroid carcinoma; Multiple endocrine neoplasia type 2B; Pheochromocytoma; Multiple endocrine neoplasia type 2A. Last evaluated: 2024-02-21. Review status: criteria provided, single submitter. Criteria: ACMG Guidelines, 2015. Collection method: clinical testing. Allele origin: germline.

Ambry Genetics
Classification: Uncertain significance for Hereditary cancer-predisposing syndrome. Last evaluated: 2023-06-24. Review status: criteria provided, single submitter. Criteria: Ambry Variant Classification Scheme 2023. Collection method: clinical testing. Allele origin: germline.
Comment: The p.S696L variant (also known as c.2087C>T), located in coding exon 11 of the RET gene, results from a C to T substitution at nucleotide position 2087. The serine at codon 696 is replaced by leucine, an amino acid with dissimilar properties. This amino acid position is conserved. In addition, the in silico prediction for this alteration is inconclusive. Since supporting evidence is limited at this time, the clinical significance of this alteration remains unclear.

NM_020975.6(RET):c.2087C>T (p.Ser696Leu)

Gene: RET (ret proto-oncogene; plus strand). Cytogenetic location: 10q11.21.
Variant type: single nucleotide variant.
Coding change: c.2087C>T on transcript NM_020975.6 (MANE Select); coding-DNA position 2087, C replaced by T.
Protein change: p.Ser696Leu; replaces serine 696 with leucine.
Molecular consequence: missense variant.
Genome position (GRCh38, 1-based): chr10:43,114,687, C>T. VCF-style: chr10-43114687-C-T. GRCh37 (hg19) VCF-style: chr10-43610135-C-T.
Other names: c.1799C>T, p.Ser600Leu (NM_001406770.1, NM_001406766.1, NM_001406767.1); c.1649C>T, p.Ser550Leu (NM_001406771.1, NM_001406773.1); c.1691C>T, p.Ser564Leu (NM_001406772.1, NM_001406769.1); c.1562C>T, p.Ser521Leu (NM_001406774.1); c.1361C>T, p.Ser454Leu (NM_001406775.1, NM_001406776.1, NM_001406777.1 and 1 more transcripts); c.1190C>T, p.Ser397Leu (NM_001406779.1, NM_001406780.1, NM_001406781.1 and 1 more transcripts); c.2087C>T, p.Ser696Leu (NM_000323.2, NM_001406743.1, NM_001406744.1 and 4 more transcripts); c.1325C>T, p.Ser442Leu (NM_001355216.2); and 10 more; short protein forms S696L, S442L, S261L, S354L, S357L, S521L, S600L, S213L.
Identifiers: ClinVar variation 579439 (VCV000579439.14), dbSNP rs1564496520, ClinGen allele CA376553282.